The following is an entry in ClinVar:

NM_020529.3(NFKBIA):c.826A>G (p.Asn276Asp)

Gene: NFKBIA (NFKB inhibitor alpha; minus strand). Cytogenetic location: 14q13.2.
Variant type: single nucleotide variant.
Coding change: c.826A>G on transcript NM_020529.3 (MANE Select); coding-DNA position 826, A replaced by G.
Protein change: p.Asn276Asp; replaces asparagine 276 with aspartic acid.
Molecular consequence: missense variant.
Genome position (GRCh38, 1-based): chr14:35,402,474, T>C on the plus strand (A>G on the coding strand, the complement: NFKBIA is on the minus strand). VCF-style: chr14-35402474-T-C. GRCh37 (hg19) VCF-style: chr14-35871680-T-C.
Other names: short protein forms N276D.
Identifiers: ClinVar variation 2180980 (VCV002180980.4), dbSNP rs1347383782, ClinGen allele CA389452018.

ClinVar aggregate classification (germline): Uncertain significance (1 of 4 stars; one submission).

Conditions:
Ectodermal dysplasia and immunodeficiency 2. Identifiers: Orphanet 238468, Orphanet 98813, MedGen C2677481, MONDO:0012806, OMIM 612132.

Allele frequency attached by ClinVar (database versions not stated): gnomAD exomes below 0.00001; gnomAD 0.00001; TOPMed 0.00001.
gnomAD v4.1: 2 of 1,614,016 alleles (0.00012%); highest among the groups gnomAD compares: Non-Finnish European, 0.00017%; no homozygotes.

Submission:

Labcorp Genetics (formerly Invitae), Labcorp
Classification: Uncertain significance for Ectodermal dysplasia and immunodeficiency 2. Last evaluated: 2025-04-17. Review status: criteria provided, single submitter. Criteria: Invitae Variant Classification Sherloc (09022015). Collection method: clinical testing. Allele origin: germline.
Comment: This sequence change replaces asparagine, which is neutral and polar, with aspartic acid, which is acidic and polar, at codon 276 of the NFKBIA protein (p.Asn276Asp). This variant is not present in population databases (gnomAD no frequency). This variant has not been reported in the literature in individuals affected with NFKBIA-related conditions. ClinVar contains an entry for this variant (Variation ID: 2180980). An algorithm developed to predict the effect of missense changes on protein structure and function (PolyPhen-2) suggests that this variant is likely to be tolerated. In summary, the available evidence is currently insufficient to determine the role of this variant in disease. Therefore, it has been classified as a Variant of Uncertain Significance.